The following is an entry in ClinVar:

NM_018297.4(NGLY1):c.897G>T (p.Glu299Asp)

Gene: NGLY1 (N-glycanase 1; minus strand). Cytogenetic location: 3p24.2.
Variant type: single nucleotide variant.
Coding change: c.897G>T on transcript NM_018297.4 (MANE Select); coding-DNA position 897, G replaced by T.
Protein change: p.Glu299Asp; replaces glutamic acid 299 with aspartic acid.
Molecular consequence: missense variant.
Genome position (GRCh38, 1-based): chr3:25,737,440, C>A on the plus strand (G>T on the coding strand, the complement: NGLY1 is on the minus strand). VCF-style: chr3-25737440-C-A. GRCh37 (hg19) VCF-style: chr3-25778931-C-A.
Other names: c.897G>T, p.Glu299Asp (NM_001145293.2, NM_001145295.2); c.771G>T, p.Glu257Asp (NM_001145294.2); short protein forms E299D, E257D.
Identifiers: ClinVar variation 541264 (VCV000541264.8), dbSNP rs201068823, ClinGen allele CA2289345.

ClinVar aggregate classification (germline): Uncertain significance. Review status: criteria provided, multiple submitters, no conflicts (2 of 4 stars). 2 submissions from 2 submitters: Uncertain significance (2). Last evaluated 2024-02-17.

Conditions:
Congenital disorder of deglycosylation (CDDG). Identifiers: MedGen C3808991, MONDO:0031376.
Inborn genetic diseases. Identifiers: MedGen C0950123, MeSH D030342.

Allele frequency attached by ClinVar (database versions not stated): ESP Exome Variant Server 0.00015; ExAC 0.00002; gnomAD exomes 0.00001 and 0.00004; gnomAD 0.00001; TOPMed 0.00001.
gnomAD v4.1: 63 of 1,610,832 alleles (0.0039%); highest among the groups gnomAD compares: Non-Finnish European, 0.0052%; no homozygotes.

Submissions (2):

Labcorp Genetics (formerly Invitae), Labcorp
Classification: Uncertain significance for Congenital disorder of deglycosylation. Last evaluated: 2024-02-17. Review status: criteria provided, single submitter. Criteria: Invitae Variant Classification Sherloc (09022015). Collection method: clinical testing. Allele origin: germline.
Comment: This sequence change replaces glutamic acid, which is acidic and polar, with aspartic acid, which is acidic and polar, at codon 299 of the NGLY1 protein (p.Glu299Asp). This variant is present in population databases (rs201068823, gnomAD 0.003%). This variant has not been reported in the literature in individuals affected with NGLY1-related conditions. ClinVar contains an entry for this variant (Variation ID: 541264). Advanced modeling of protein sequence and biophysical properties (such as structural, functional, and spatial information, amino acid conservation, physicochemical variation, residue mobility, and thermodynamic stability) has been performed at Invitae for this missense variant, however the output from this modeling did not meet the statistical confidence thresholds required to predict the impact of this variant on NGLY1 protein function. In summary, the available evidence is currently insufficient to determine the role of this variant in disease. Therefore, it has been classified as a Variant of Uncertain Significance.

Ambry Genetics
Classification: Uncertain significance for Inborn genetic diseases. Last evaluated: 2022-11-08. Review status: criteria provided, single submitter. Criteria: Ambry Variant Classification Scheme 2023. Collection method: clinical testing. Allele origin: germline.